The following is an entry in ClinVar:

ClinVar aggregate classification (germline): Uncertain significance. Review status: criteria provided, multiple submitters, no conflicts (2 of 4 stars). 2 submissions from 2 submitters: Uncertain significance (2). Last evaluated 2024-09-09.

Allele frequency attached by ClinVar (database versions not stated): gnomAD exomes 0.00001; ExAC 0.00002; TOPMed 0.00002.
gnomAD v4.1: 14 of 1,614,124 alleles (0.00087%); highest among the groups gnomAD compares: Middle Eastern, 0.016%; no homozygotes.

Submissions (2):

Blueprint Genetics
Classification: Uncertain significance. Last evaluated: 2024-09-09. Review status: criteria provided, single submitter. Criteria: ACMG Guidelines, 2015. Collection method: clinical testing. Allele origin: germline.

Labcorp Genetics (formerly Invitae), Labcorp
Classification: Uncertain significance. Last evaluated: 2024-03-26. Review status: criteria provided, single submitter. Criteria: Invitae Variant Classification Sherloc (09022015). Collection method: clinical testing. Allele origin: germline.
Comment: This sequence change replaces isoleucine, which is neutral and non-polar, with valine, which is neutral and non-polar, at codon 545 of the ATP6V1A protein (p.Ile545Val). This variant is present in population databases (rs780940245, gnomAD 0.003%). This variant has not been reported in the literature in individuals affected with ATP6V1A-related conditions. Advanced modeling of protein sequence and biophysical properties (such as structural, functional, and spatial information, amino acid conservation, physicochemical variation, residue mobility, and thermodynamic stability) performed at Invitae indicates that this missense variant is not expected to disrupt ATP6V1A protein function with a negative predictive value of 80%. In summary, the available evidence is currently insufficient to determine the role of this variant in disease. Therefore, it has been classified as a Variant of Uncertain Significance.

NM_001690.4(ATP6V1A):c.1633A>G (p.Ile545Val)

Gene: ATP6V1A (ATPase H+ transporting V1 subunit A; plus strand). Cytogenetic location: 3q13.31.
Variant type: single nucleotide variant.
Coding change: c.1633A>G on transcript NM_001690.4 (MANE Select); coding-DNA position 1633, A replaced by G.
Protein change: p.Ile545Val; replaces isoleucine 545 with valine.
Molecular consequence: missense variant.
Genome position (GRCh38, 1-based): chr3:113,805,397, A>G. VCF-style: chr3-113805397-A-G. GRCh37 (hg19) VCF-style: chr3-113524244-A-G.
Other names: short protein forms I545V.
Identifiers: ClinVar variation 2976717 (VCV002976717.4), dbSNP rs780940245, ClinGen allele CA2548102.